The following is an entry in ClinVar:

ClinVar aggregate classification (germline): Uncertain significance. Review status: criteria provided, multiple submitters, no conflicts (2 of 4 stars). 2 submissions from 2 submitters: Uncertain significance (2). Last evaluated 2024-04-15.

Conditions:
Hereditary cancer-predisposing syndrome. Also called: Hereditary Cancer Syndrome; Neoplastic Syndromes, Hereditary; Hereditary neoplastic syndrome; Tumor predisposition. Identifiers: Orphanet 140162, MedGen C0027672, MeSH D009386, MONDO:0015356.
Cardiovascular phenotype. Identifiers: MedGen CN230736.
Neurofibromatosis, type 1 (NF1). Also called: Peripheral type neurofibromatosis; Neurofibromatosis, type I; NEUROFIBROMATOSIS, TYPE I, SOMATIC; VON RECKLINGHAUSEN DISEASE. Identifiers: Orphanet 636, MedGen C0027831, MONDO:0018975, OMIM 162200. Disease mechanism: loss of function.

Submissions (2):

Labcorp Genetics (formerly Invitae), Labcorp
Classification: Uncertain significance for Neurofibromatosis, type 1. Last evaluated: 2024-04-15. Review status: criteria provided, single submitter. Criteria: Invitae Variant Classification Sherloc (09022015). Collection method: clinical testing. Allele origin: germline.
Comment: This sequence change replaces methionine, which is neutral and non-polar, with isoleucine, which is neutral and non-polar, at codon 968 of the NF1 protein (p.Met968Ile). This variant is not present in population databases (gnomAD no frequency). This variant has not been reported in the literature in individuals affected with NF1-related conditions. ClinVar contains an entry for this variant (Variation ID: 821955). Advanced modeling of protein sequence and biophysical properties (such as structural, functional, and spatial information, amino acid conservation, physicochemical variation, residue mobility, and thermodynamic stability) performed at Invitae indicates that this missense variant is not expected to disrupt NF1 protein function with a negative predictive value of 95%. Algorithms developed to predict the effect of sequence changes on RNA splicing suggest that this variant may disrupt the consensus splice site. In summary, the available evidence is currently insufficient to determine the role of this variant in disease. Therefore, it has been classified as a Variant of Uncertain Significance.

Ambry Genetics
Classification: Uncertain significance for Cardiovascular phenotype; Hereditary cancer-predisposing syndrome. Last evaluated: 2019-11-18. Review status: criteria provided, single submitter. Criteria: Ambry Variant Classification Scheme 2023. Collection method: clinical testing. Allele origin: germline.
Comment: The p.M968I variant (also known as c.2904G>A), located in coding exon 22 of the NF1 gene, results from a G to A substitution at nucleotide position 2904. The methionine at codon 968 is replaced by isoleucine, an amino acid with highly similar properties. This amino acid position is highly conserved in available vertebrate species. In addition, the in silico prediction for this alteration is inconclusive. Since supporting evidence is limited at this time, the clinical significance of this alteration remains unclear.

NM_001042492.3(NF1):c.2904G>A (p.Met968Ile)

Gene: NF1 (neurofibromin 1; plus strand). Cytogenetic location: 17q11.2.
Variant type: single nucleotide variant.
Coding change: c.2904G>A on transcript NM_001042492.3 (MANE Select); coding-DNA position 2904, G replaced by A.
Protein change: p.Met968Ile; replaces methionine 968 with isoleucine.
Molecular consequence: missense variant.
Genome position (GRCh38, 1-based): chr17:31,229,888, G>A. VCF-style: chr17-31229888-G-A. GRCh37 (hg19) VCF-style: chr17-29556906-G-A.
Other names: c.2904G>A, p.Met968Ile (NM_000267.4); short protein forms M968I.
Identifiers: ClinVar variation 821955 (VCV000821955.7), dbSNP rs1597716342, ClinGen allele CA398986137.